The following is an entry in ClinVar:

ClinVar aggregate classification (germline): Uncertain significance (1 of 4 stars; one submission).

Conditions:
LAMA2-related muscular dystrophy (LAMA2-RD). Also called: Laminin alpha 2-related dystrophy. Identifiers: MedGen C5679788, MONDO:0100228.

Allele frequency attached by ClinVar (database versions not stated): gnomAD exomes below 0.00001; gnomAD 0.00001.
gnomAD v4.1: 3 of 1,579,436 alleles (0.00019%); highest among the groups gnomAD compares: Admixed American, 0.0017%; no homozygotes.

Submission:

Labcorp Genetics (formerly Invitae), Labcorp
Classification: Uncertain significance for LAMA2-related muscular dystrophy. Last evaluated: 2022-02-22. Review status: criteria provided, single submitter. Criteria: Invitae Variant Classification Sherloc (09022015). Collection method: clinical testing. Allele origin: germline.
Comment: This sequence change falls in intron 6 of the LAMA2 gene. It does not directly change the encoded amino acid sequence of the LAMA2 protein. It affects a nucleotide within the consensus splice site. This variant is present in population databases (no rsID available, gnomAD 0.003%). This variant has not been reported in the literature in individuals affected with LAMA2-related conditions. ClinVar contains an entry for this variant (Variation ID: 477526). Variants that disrupt the consensus splice site are a relatively common cause of aberrant splicing (PMID: 17576681, 9536098). Algorithms developed to predict the effect of sequence changes on RNA splicing suggest that this variant is not likely to affect RNA splicing. In summary, the available evidence is currently insufficient to determine the role of this variant in disease. Therefore, it has been classified as a Variant of Uncertain Significance.

Literature cited by the submitters: PubMed 17576681; PubMed 9536098.

NM_000426.4(LAMA2):c.909+4T>C

Gene: LAMA2 (laminin subunit alpha 2; plus strand). Cytogenetic location: 6q22.33.
Variant type: single nucleotide variant.
Coding change: c.909+4T>C on transcript NM_000426.4 (MANE Select); 4 bases into the intron after coding-DNA position 909, T replaced by C.
Molecular consequence: intron variant.
Genome position (GRCh38, 1-based): chr6:129,147,052, T>C. VCF-style: chr6-129147052-T-C. GRCh37 (hg19) VCF-style: chr6-129468197-T-C.
Other names: c.909+4T>C (NM_001079823.2).
Identifiers: ClinVar variation 477526 (VCV000477526.6), dbSNP rs1305435027, ClinGen allele CA570043751.